The following is an entry in ClinVar:

NM_005157.6(ABL1):c.1025A>G (p.Tyr342Cys)

Gene: ABL1 (ABL proto-oncogene 1, non-receptor tyrosine kinase; plus strand). Cytogenetic location: 9q34.12.
Variant type: single nucleotide variant.
Coding change: c.1025A>G on transcript NM_005157.6 (MANE Select); coding-DNA position 1025, A replaced by G.
Protein change: p.Tyr342Cys; replaces tyrosine 342 with cysteine.
Molecular consequence: missense variant.
Genome position (GRCh38, 1-based): chr9:130,872,977, A>G. VCF-style: chr9-130872977-A-G. GRCh37 (hg19) VCF-style: chr9-133748364-A-G.
Other names: c.1082A>G, p.Tyr361Cys (NM_007313.3); short protein forms Y342C, Y361C.
Identifiers: ClinVar variation 3340737 (VCV003340737.1).

ClinVar aggregate classification (germline): Likely pathogenic (1 of 4 stars; one submission).

Submission:

GeneDx
Classification: Likely pathogenic. Last evaluated: 2024-01-25. Review status: criteria provided, single submitter. Criteria: GeneDx Variant Classification Process June 2021. Collection method: clinical testing. Allele origin: germline. Affected: yes.
Comment: Not observed in large population cohorts (gnomAD); In silico analysis, which includes protein predictors and evolutionary conservation, supports a deleterious effect; Has not been previously published as pathogenic or benign to our knowledge